The following is an entry in ClinVar:

NM_015346.4(ZFYVE26):c.3022C>T (p.Arg1008Ter)

Gene: ZFYVE26 (zinc finger FYVE-type containing 26; minus strand). Cytogenetic location: 14q24.1.
Variant type: single nucleotide variant.
Coding change: c.3022C>T on transcript NM_015346.4 (MANE Select); coding-DNA position 3022, C replaced by T.
Protein change: p.Arg1008Ter; replaces arginine 1008 with a stop codon.
Molecular consequence: nonsense.
Genome position (GRCh38, 1-based): chr14:67,786,231, G>A on the plus strand (C>T on the coding strand, the complement: ZFYVE26 is on the minus strand). VCF-style: chr14-67786231-G-A. GRCh37 (hg19) VCF-style: chr14-68252948-G-A.
Other names: short protein forms R1008*.
Identifiers: ClinVar variation 948359 (VCV000948359.8), dbSNP rs766888372, ClinGen allele CA262853095.

ClinVar aggregate classification (germline): Pathogenic/Likely pathogenic. Review status: criteria provided, multiple submitters, no conflicts (2 of 4 stars). 2 submissions from 2 submitters: Pathogenic (1); Likely pathogenic (1). Last evaluated 2023-01-17.

Conditions:
Spastic paraplegia. Identifiers: MedGen C0037772, HP:0001258.
Hereditary spastic paraplegia 15 (SPG15). Also called: SPASTIC PARAPLEGIA 15, AUTOSOMAL RECESSIVE; KJELLIN SYNDROME; SPASTIC PARAPLEGIA AND RETINAL DEGENERATION. Identifiers: Orphanet 100996, MedGen C1849128, MONDO:0010044, OMIM 270700.

gnomAD v4.1: 4 of 1,341,878 alleles (0.0003%); highest among the groups gnomAD compares: African/African-American, 0.0017%; no homozygotes.

Submissions (2):

Labcorp Genetics (formerly Invitae), Labcorp
Classification: Pathogenic for Spastic paraplegia. Last evaluated: 2023-01-17. Review status: criteria provided, single submitter. Criteria: Invitae Variant Classification Sherloc (09022015). Collection method: clinical testing. Allele origin: germline.
Comment: This variant has not been reported in the literature in individuals affected with ZFYVE26-related conditions. For these reasons, this variant has been classified as Pathogenic. ClinVar contains an entry for this variant (Variation ID: 948359). This variant is not present in population databases (gnomAD no frequency). This sequence change creates a premature translational stop signal (p.Arg1008*) in the ZFYVE26 gene. It is expected to result in an absent or disrupted protein product. Loss-of-function variants in ZFYVE26 are known to be pathogenic (PMID: 18394578, 19805727).

Tetreault Lab, University of Montreal Hospital Research Centre (CRCHUM)
Classification: Likely pathogenic for Hereditary spastic paraplegia 15. Review status: criteria provided, single submitter. Criteria: ACMG Guidelines, 2015. Collection method: research. Allele origin: germline. Observed: 1 heterozygote.
Comment: Stop-gain/nonsense variant in ZFYVE26 predicted to result in a loss-of-function of the Phosphatidylinositol 3-phosphate-binding protein through protein truncation and possibly nonsense-mediated decay (NMD). The allele frequency is near-null (gnomAD AF = 0) but the variant has previously been reported once through ClinVar for Spastic Paraplegia 15. Numerous pathogenic variants are reported downstream of the stopgain. In silico predictions support loss-of-function of the allele (CADD = 42). The Zinc finger protein is important for cytokinesis, and loss-of-function is well-known to be pathogenic, generally in an autosomal recessive manner. For this reason, it is not possible to confirm a dominant pathology, and the variant is classified as likely pathogenic. This variant is could be relevant to consider as a potential disease modifier of ataxia disorders.

Literature cited by the submitters: PubMed 18394578 (cited by Labcorp Genetics (formerly Invitae), Labcorp); PubMed 19805727 (cited by Labcorp Genetics (formerly Invitae), Labcorp); DOI 10.1093/brain/awac391 (cited by Tetreault Lab, University of Montreal Hospital Research Centre (CRCHUM)).